The following is an entry in ClinVar:

NM_020461.4(TUBGCP6):c.4131T>C (p.Thr1377=)

Gene: TUBGCP6 (tubulin gamma complex component 6; minus strand). Cytogenetic location: 22q13.33.
Variant type: single nucleotide variant.
Coding change: c.4131T>C on transcript NM_020461.4 (MANE Select); coding-DNA position 4131, T replaced by C.
Protein change: p.Thr1377=; no amino-acid change (threonine 1377 retained).
Molecular consequence: synonymous variant.
Genome position (GRCh38, 1-based): chr22:50,219,993, A>G on the plus strand (T>C on the coding strand, the complement: TUBGCP6 is on the minus strand). VCF-style: chr22-50219993-A-G. GRCh37 (hg19) VCF-style: chr22-50658422-A-G.
Other names: c.4131T>C (NM_020461.3).
Identifiers: ClinVar variation 1534139 (VCV001534139.10), dbSNP rs758107825, ClinGen allele CA10307671.
Genomic context (GRCh38, chr22:50,219,993, plus strand): 5'-ACCCCCAGGCTGCATCCACCTAACCTGTGAGTTGAGAGGCCAATTTGGAGAGAGGTCCTC[A>G]GTGTCCCCGCTCCTCCCAGGGCCTGTGTGGACACAAGTGGACACGAGGGCATCAGGGCCG-3'
Protein context (NP_065194.3, residues 1367-1387): EELGPGRSGD[Thr1377=]EDLSPNWPLN

ClinVar aggregate classification (germline): Likely benign. Review status: criteria provided, single submitter (1 of 4 stars). 2 submissions from 2 submitters: Likely benign (1). 1 of the submissions does not count toward it. Last evaluated 2021-04-24.

Conditions:
TUBGCP6-related disorder. Also called: TUBGCP6-related condition.

Allele frequency attached by ClinVar (database versions not stated): TOPMed 0.00001; ExAC 0.00002; gnomAD 0.00002.
gnomAD v4.1: 17 of 1,613,836 alleles (0.0011%); highest among the groups gnomAD compares: East Asian, 0.0022%; no homozygotes.

Submissions (2):

Labcorp Genetics (formerly Invitae), Labcorp
Classification: Likely benign. Last evaluated: 2021-04-24. Review status: criteria provided, single submitter. Criteria: Invitae Variant Classification Sherloc (09022015). Collection method: clinical testing. Allele origin: germline.

PreventionGenetics, part of Exact Sciences
Classification: Likely benign for TUBGCP6-related condition. Last evaluated: 2021-12-27. Review status: no assertion criteria provided. Collection method: clinical testing. Allele origin: germline. Not counted in ClinVar's aggregate classification.
Comment: This variant is classified as likely benign based on ACMG/AMP sequence variant interpretation guidelines (Richards et al. 2015 PMID: 25741868, with internal and published modifications).